The following is an entry in ClinVar:

ClinVar aggregate classification (germline): Uncertain significance (1 of 4 stars; one submission).

Conditions:
Cardiovascular phenotype. Identifiers: MedGen CN230736.

Submission:

Ambry Genetics
Classification: Uncertain significance for Cardiovascular phenotype. Last evaluated: 2026-05-03. Review status: criteria provided, single submitter. Criteria: Ambry Variant Classification Scheme 2023. Collection method: clinical testing. Allele origin: germline.
Comment: The p.E334G variant (also known as c.1001A>G), located in coding exon 7 of the JAG1 gene, results from an A to G substitution at nucleotide position 1001. The glutamic acid at codon 334 is replaced by glycine, an amino acid with similar properties. This amino acid position is conserved. In addition, this alteration is predicted to be deleterious by in silico analysis. Based on the available evidence, the clinical significance of this variant remains unclear.

NM_000214.3(JAG1):c.1001A>G (p.Glu334Gly)

Gene: JAG1 (jagged canonical Notch ligand 1; minus strand). Cytogenetic location: 20p12.2.
Variant type: single nucleotide variant.
Coding change: c.1001A>G on transcript NM_000214.3 (MANE Select); coding-DNA position 1001, A replaced by G.
Protein change: p.Glu334Gly; replaces glutamic acid 334 with glycine.
Molecular consequence: missense variant.
Genome position (GRCh38, 1-based): chr20:10,652,136, T>C on the plus strand (A>G on the coding strand, the complement: JAG1 is on the minus strand). VCF-style: chr20-10652136-T-C. GRCh37 (hg19) VCF-style: chr20-10632784-T-C.
Other names: short protein forms E334G.
Identifiers: ClinVar variation 4858552 (VCV004858552.1).